The following is an entry in ClinVar:

ClinVar aggregate classification (germline): Benign. Review status: criteria provided, multiple submitters, no conflicts (2 of 4 stars). 3 submissions from 3 submitters: Benign (2). 1 of the submissions does not count toward it. Last evaluated 2026-01-24.

Conditions:
NFATC1-related disorder. Also called: NFATC1-related condition.

Allele frequency attached by ClinVar (database versions not stated): 1000 Genomes Project 0.00300; 1000 Genomes Project 30x 0.00359; ESP Exome Variant Server 0.00869; TOPMed 0.00877; gnomAD exomes 0.00880; gnomAD 0.00910 and 0.00997; ExAC 0.00956.
gnomAD v4.1: 18,852 of 1,611,122 alleles (1.2%); highest among the groups gnomAD compares: Non-Finnish European, 1.4%; 158 homozygotes.

Submissions (3):

Labcorp Genetics (formerly Invitae), Labcorp
Classification: Benign. Last evaluated: 2026-01-24. Review status: criteria provided, single submitter. Criteria: Invitae Variant Classification Sherloc (09022015). Collection method: clinical testing. Allele origin: germline.

Breakthrough Genomics
Classification: Benign. Review status: criteria provided, single submitter. Criteria: ACMG Guidelines, 2015. Collection method: not provided. Allele origin: germline. Inheritance: Unknown mechanism. Affected: yes.

PreventionGenetics, part of Exact Sciences
Classification: Benign for NFATC1-related condition. Last evaluated: 2019-04-01. Review status: no assertion criteria provided. Collection method: clinical testing. Allele origin: germline. Not counted in ClinVar's aggregate classification.
Comment: This variant is classified as benign based on ACMG/AMP sequence variant interpretation guidelines (Richards et al. 2015 PMID: 25741868, with internal and published modifications).

NM_001278669.2(NFATC1):c.153C>T (p.Asn51=)

Gene: NFATC1 (nuclear factor of activated T cells 1; plus strand). Cytogenetic location: 18q23.
Variant type: single nucleotide variant.
Coding change: c.153C>T on transcript NM_001278669.2 (MANE Select); coding-DNA position 153, C replaced by T.
Protein change: p.Asn51=; no amino-acid change (asparagine 51 retained).
Molecular consequence: synonymous variant. On other transcripts: intron variant (2).
Genome position (GRCh38, 1-based): chr18:79,410,428, C>T. VCF-style: chr18-79410428-C-T. GRCh37 (hg19) VCF-style: chr18-77170428-C-T.
Other names: c.153C>T (NM_001278669.1); c.153C>T, p.Asn51= (NM_001278670.2, NM_006162.5, NM_172390.3); c.114C>T, p.Asn38= (NM_001278672.2, NM_001278675.2, NM_172387.3 and 1 more transcripts); c.-191+14077C>T (NM_172388.3); c.-191+9949C>T (NM_001278673.2).
Identifiers: ClinVar variation 789237 (VCV000789237.13), dbSNP rs150374931, ClinGen allele CA9008747.
Genomic context (GRCh38, chr18:79,410,428, plus strand): 5'-CCCTCATGCTCCCATCTGCTTCTTTTTCTCTCTAGAACACTATGGCTATGCATCCTCCAA[C>T]GTCAGCCCCGCCCTGCCGCTCCCCACGGCGCACTCCACCCTGCCGGCCCCGTGCCACAAC-3'
Protein context (NP_001265598.1, residues 41-61): EEEHYGYASS[Asn51=]VSPALPLPTA